The following is an entry in ClinVar:

NM_006231.4(POLE):c.4877G>T (p.Arg1626Leu)

Gene: POLE (DNA polymerase epsilon, catalytic subunit; minus strand). Cytogenetic location: 12q24.33.
Variant type: single nucleotide variant.
Coding change: c.4877G>T on transcript NM_006231.4 (MANE Select); coding-DNA position 4877, G replaced by T.
Protein change: p.Arg1626Leu; replaces arginine 1626 with leucine.
Molecular consequence: missense variant.
Genome position (GRCh38, 1-based): chr12:132,642,581, C>A on the plus strand (G>T on the coding strand, the complement: POLE is on the minus strand). VCF-style: chr12-132642581-C-A. GRCh37 (hg19) VCF-style: chr12-133219167-C-A.
Other names: c.4877G>T (NM_006231.2); short protein forms R1626L.
Identifiers: ClinVar variation 1697387 (VCV001697387.11), dbSNP rs766252708, ClinGen allele CA6892691.

ClinVar aggregate classification (germline): Uncertain significance. Review status: criteria provided, multiple submitters, no conflicts (2 of 4 stars). 3 submissions from 3 submitters: Uncertain significance (3). Last evaluated 2025-06-12.

Conditions:
Hereditary cancer-predisposing syndrome. Also called: Hereditary neoplastic syndrome; Tumor predisposition; Neoplastic Syndromes, Hereditary; Hereditary Cancer Syndrome. Identifiers: Orphanet 140162, MedGen C0027672, MeSH D009386, MONDO:0015356.

Allele frequency attached by ClinVar (database versions not stated): gnomAD exomes below 0.00001; ExAC 0.00001.
gnomAD v4.1: 1 of 1,613,496 alleles (0.000062%); no homozygotes.

Submissions (3):

Ambry Genetics
Classification: Uncertain significance for Hereditary cancer-predisposing syndrome. Last evaluated: 2025-06-12. Review status: criteria provided, single submitter. Criteria: Ambry Variant Classification Scheme 2023. Collection method: clinical testing. Allele origin: germline.
Comment: The p.R1626L variant (also known as c.4877G>T), located in coding exon 37 of the POLE gene, results from a G to T substitution at nucleotide position 4877. The arginine at codon 1626 is replaced by leucine, an amino acid with dissimilar properties. This amino acid position is highly conserved in available vertebrate species. In addition, the in silico prediction for this alteration is inconclusive. Based on the available evidence, the clinical significance of this variant remains unclear.

Center for Genomic Medicine, Rigshospitalet, Copenhagen University Hospital
Classification: Uncertain significance. Last evaluated: 2025-03-04. Review status: criteria provided, single submitter. Criteria: ACMG Guidelines, 2015. Collection method: clinical testing. Allele origin: germline.

Labcorp Genetics (formerly Invitae), Labcorp
Classification: Uncertain significance. Last evaluated: 2023-03-14. Review status: criteria provided, single submitter. Criteria: Invitae Variant Classification Sherloc (09022015). Collection method: clinical testing. Allele origin: germline.
Comment: This variant has not been reported in the literature in individuals affected with POLE-related conditions. In summary, the available evidence is currently insufficient to determine the role of this variant in disease. Therefore, it has been classified as a Variant of Uncertain Significance. Advanced modeling of protein sequence and biophysical properties (such as structural, functional, and spatial information, amino acid conservation, physicochemical variation, residue mobility, and thermodynamic stability) performed at Invitae indicates that this missense variant is not expected to disrupt POLE protein function. ClinVar contains an entry for this variant (Variation ID: 1697387). This variant is present in population databases (rs766252708, gnomAD 0.0009%). This sequence change replaces arginine, which is basic and polar, with leucine, which is neutral and non-polar, at codon 1626 of the POLE protein (p.Arg1626Leu).